The following is an entry in ClinVar:

ClinVar aggregate classification (germline): Uncertain significance (1 of 4 stars; one submission).

Allele frequency attached by ClinVar (database versions not stated): TOPMed below 0.00001; gnomAD 0.00001.
gnomAD v4.1: 2 of 1,614,078 alleles (0.00012%); highest among the groups gnomAD compares: African/African-American, 0.0013%; no homozygotes.

Submission:

Women's Health and Genetics/Laboratory Corporation of America, LabCorp
Classification: Uncertain significance. Last evaluated: 2024-04-29. Review status: criteria provided, single submitter. Criteria: LabCorp Variant Classification Summary - May 2015. Collection method: clinical testing. Allele origin: germline.
Comment: Variant summary: LPL c.874A>G (p.Ser292Gly) results in a non-conservative amino acid change located in the Lipase domain of the encoded protein sequence. Three of four in-silico tools predict a benign effect of the variant on protein function. The variant was absent in 251348 control chromosomes. The available data on variant occurrences in the general population are insufficient to allow any conclusion about variant significance. To our knowledge, no occurrence of c.874A>G in individuals affected with Familial Lipoprotein Lipase Deficiency and no experimental evidence demonstrating its impact on protein function have been reported. No submitters have cited clinical-significance assessments for this variant to ClinVar. Based on the evidence outlined above, the variant was classified as uncertain significance.

NM_000237.3(LPL):c.874A>G (p.Ser292Gly)

Gene: LPL (lipoprotein lipase; plus strand). Cytogenetic location: 8p21.3.
Variant type: single nucleotide variant.
Coding change: c.874A>G on transcript NM_000237.3 (MANE Select); coding-DNA position 874, A replaced by G.
Protein change: p.Ser292Gly; replaces serine 292 with glycine.
Molecular consequence: missense variant.
Genome position (GRCh38, 1-based): chr8:19,955,939, A>G. VCF-style: chr8-19955939-A-G. GRCh37 (hg19) VCF-style: chr8-19813450-A-G.
Other names: short protein forms S292G.
Identifiers: ClinVar variation 3251523 (VCV003251523.1), dbSNP rs2069980923.